The following is an entry in ClinVar:

ClinVar aggregate classification (germline): Likely benign. Review status: criteria provided, multiple submitters, no conflicts (2 of 4 stars). 3 submissions from 3 submitters: Likely benign (3). Last evaluated 2025-04-11.

Conditions:
Malignant hyperthermia, susceptibility to, 1 (MHS1). Also called: Malignant hyperthermia suceptibility 1; Anesthesia related hyperthermia; Malignant hyperpyrexia; Fulminating hyperpyrexia; Pharmacogenic myopathy; RYR1-Related Malignant Hyperthermia Susceptibility. Identifiers: Orphanet 423, MedGen C2930980, MONDO:0007783, OMIM 145600.
RYR1-related disorder. Also called: RYR1-related disorders; RYR1-related condition. Identifiers: MedGen CN239331.

Allele frequency attached by ClinVar (database versions not stated): ExAC 0.00001; TOPMed 0.00001; gnomAD 0.00002.
gnomAD v4.1: 16 of 1,606,842 alleles (0.001%); highest among the groups gnomAD compares: Non-Finnish European, 0.0011%; no homozygotes.

Submissions (3):

Labcorp Genetics (formerly Invitae), Labcorp
Classification: Likely benign for RYR1-related disorder. Last evaluated: 2025-04-11. Review status: criteria provided, single submitter. Criteria: Invitae Variant Classification Sherloc (09022015). Collection method: clinical testing. Allele origin: germline.

All of Us Research Program, National Institutes of Health
Classification: Likely benign for Malignant hyperthermia, susceptibility to, 1. Last evaluated: 2023-08-15. Review status: criteria provided, single submitter. Criteria: ACMG Guidelines, 2015. Collection method: clinical testing. Allele origin: germline. Inheritance: Autosomal dominant inheritance. Observed: 2 variant alleles, 2 heterozygotes.
Comment: This study involves interpretation of variants in research participants for the purpose of population health screening. Participant phenotype was not available at the time of variant classification. Additional details can be found in publication PMID: 35346344, PMCID: PMC8962531

Color Diagnostics, LLC DBA Color Health
Classification: Likely benign for Malignant hyperthermia, susceptibility to, 1. Last evaluated: 2023-04-05. Review status: criteria provided, single submitter. Criteria: ACMG Guidelines, 2015. Collection method: clinical testing. Allele origin: germline.

NM_000540.3(RYR1):c.48C>T (p.Asp16=)

Gene: RYR1 (ryanodine receptor 1; plus strand). Cytogenetic location: 19q13.2.
Variant type: single nucleotide variant.
Coding change: c.48C>T on transcript NM_000540.3 (MANE Select); coding-DNA position 48, C replaced by T.
Protein change: p.Asp16=; no amino-acid change (aspartic acid 16 retained).
Molecular consequence: synonymous variant.
Genome position (GRCh38, 1-based): chr19:38,440,747, C>T. VCF-style: chr19-38440747-C-T. GRCh37 (hg19) VCF-style: chr19-38931387-C-T.
Other names: c.48C>T, p.Asp16= (NM_001042723.2).
Identifiers: ClinVar variation 2911867 (VCV002911867.5), dbSNP rs750329137, ClinGen allele CA066500.